The following is an entry in ClinVar:

NM_001375380.1(EBF3):c.432G>A (p.Gln144=)

Gene: EBF3 (EBF transcription factor 3; minus strand). Cytogenetic location: 10q26.3.
Variant type: single nucleotide variant.
Coding change: c.432G>A on transcript NM_001375380.1 (MANE Select); coding-DNA position 432, G replaced by A.
Protein change: p.Gln144=; no amino-acid change (glutamine 144 retained).
Molecular consequence: synonymous variant.
Genome position (GRCh38, 1-based): chr10:129,958,987, C>T on the plus strand (G>A on the coding strand, the complement: EBF3 is on the minus strand). VCF-style: chr10-129958987-C-T. GRCh37 (hg19) VCF-style: chr10-131757251-C-T.
Other names: c.432G>A, p.Gln144= (NM_001005463.3, NM_001375379.1, NM_001375389.1 and 3 more transcripts).
Identifiers: ClinVar variation 716964 (VCV000716964.12), dbSNP rs145828208, ClinGen allele CA5748734.

ClinVar aggregate classification (germline): Benign/Likely benign. Review status: criteria provided, multiple submitters, no conflicts (2 of 4 stars). 3 submissions from 3 submitters: Benign (1); Likely benign (1). 1 of the submissions does not count toward it. Last evaluated 2025-03-01.

Conditions:
EBF3-related disorder. Identifiers: MedGen CN239924.

Allele frequency attached by ClinVar (database versions not stated): gnomAD exomes 0.00021; ExAC 0.00032; 1000 Genomes Project 30x 0.00062; 1000 Genomes Project 0.00080; ESP Exome Variant Server 0.00100; gnomAD 0.00103 and 0.00112; TOPMed 0.00111.
gnomAD v4.1: 297 of 1,600,400 alleles (0.019%); highest among the groups gnomAD compares: African/African-American, 0.37%; 2 homozygotes.

Submissions (3):

CeGaT Center for Human Genetics Tuebingen
Classification: Likely benign. Last evaluated: 2025-03-01. Review status: criteria provided, single submitter. Criteria: CeGaT Center For Human Genetics Tuebingen Variant Classification Criteria Version 2. Collection method: clinical testing. Allele origin: germline. Affected: yes. Observed: 1 variant allele.
Comment: EBF3: BP4, BP7, BS1

Labcorp Genetics (formerly Invitae), Labcorp
Classification: Benign. Last evaluated: 2018-07-06. Review status: criteria provided, single submitter. Criteria: Invitae Variant Classification Sherloc (09022015). Collection method: clinical testing. Allele origin: germline.

PreventionGenetics, part of Exact Sciences
Classification: Likely benign for EBF3-related condition. Last evaluated: 2019-08-12. Review status: no assertion criteria provided. Collection method: clinical testing. Allele origin: germline. Not counted in ClinVar's aggregate classification.
Comment: This variant is classified as likely benign based on ACMG/AMP sequence variant interpretation guidelines (Richards et al. 2015 PMID: 25741868, with internal and published modifications).